The following is an entry in ClinVar:

NM_004336.5(BUB1):c.736G>C (p.Glu246Gln)

Gene: BUB1 (BUB1 mitotic checkpoint serine/threonine kinase; minus strand). Cytogenetic location: 2q13.
Variant type: single nucleotide variant.
Coding change: c.736G>C on transcript NM_004336.5 (MANE Select); coding-DNA position 736, G replaced by C.
Protein change: p.Glu246Gln; replaces glutamic acid 246 with glutamine.
Molecular consequence: missense variant.
Genome position (GRCh38, 1-based): chr2:110,667,590, C>G on the plus strand (G>C on the coding strand, the complement: BUB1 is on the minus strand). VCF-style: chr2-110667590-C-G. GRCh37 (hg19) VCF-style: chr2-111425167-C-G.
Other names: c.676G>C, p.Glu226Gln (NM_001278616.2); c.736G>C, p.Glu246Gln (NM_001278617.2); short protein forms E226Q, E246Q.
Identifiers: ClinVar variation 2451231 (VCV002451231.2), dbSNP rs748962107, ClinGen allele CA1828258.

ClinVar aggregate classification (germline): Uncertain significance (1 of 4 stars; one submission).

Allele frequency attached by ClinVar (database versions not stated): gnomAD exomes below 0.00001; ExAC 0.00001.
gnomAD v4.1: 7 of 1,613,962 alleles (0.00043%); highest among the groups gnomAD compares: South Asian, 0.0066%; no homozygotes.

Submission:

Ambry Genetics
Classification: Uncertain significance. Last evaluated: 2022-11-27. Review status: criteria provided, single submitter. Criteria: Ambry Variant Classification Scheme 2023. Collection method: clinical testing. Allele origin: germline.
Comment: The p.E246Q variant (also known as c.736G>C), located in coding exon 8 of the BUB1 gene, results from a G to C substitution at nucleotide position 736. The glutamic acid at codon 246 is replaced by glutamine, an amino acid with highly similar properties. This amino acid position is conserved. In addition, this alteration is predicted to be tolerated by in silico analysis. Since supporting evidence is limited at this time, the clinical significance of this alteration remains unclear.